The following is an entry in ClinVar:

NM_000535.6:c.(803+1_804-1)_(903+1_904-1)del

Gene: PMS2 (PMS1 homolog 2, mismatch repair system component; minus strand).
Variant type: Deletion.
Identifiers: ClinVar variation 1172880 (VCV001172880.1).

ClinVar aggregate classification (germline): Pathogenic (1 of 4 stars; one submission).

Conditions:
Hereditary nonpolyposis colon cancer (HNPCC). Also called: Hereditary Nonpolyposis Colorectal Cancer Syndrome; Hereditary nonpolyposis colorectal cancer; Familial nonpolyposis colon cancer. Identifiers: Orphanet 443909, MedGen C1333990, MONDO:0018630. Disease mechanism: loss of function.

Submission:

Women's Health and Genetics/Laboratory Corporation of America, LabCorp
Classification: Pathogenic for Hereditary nonpolyposis colon cancer. Last evaluated: 2021-06-08. Review status: criteria provided, single submitter. Criteria: LabCorp Variant Classification Summary - May 2015. Collection method: clinical testing. Allele origin: germline.
Comment: Variant summary: The variant identified by MLPA or other technology involves the deletion of exon 8 in the PMS2 gene. A presumed nomenclature of c.(803+1_804-1)_(903+1_904-1)del has been designated for the purposes of this classification. Although exact breakpoints of this deletion are not known, it is expected to result in a frameshift change and a premature termination codon (p.Tyr268*), predicted to cause a truncation or absence of PMS2 protein due to nonsense mediated decay, which are commonly known mechanisms for disease. The variant was absent in 21694 control chromosomes (gnomAD, Structural Variants dataset v2.1). Deletion of exon 8 has been reported in the literature in multiple individuals affected with colorectal cancer. Several of these patients showed high microsatellite instability (MSI) and absence of PMS2 by immunostaining (example: vanderKlift_2016, Wernstedt_2012, Senter_2008, Nakagawa_2004, Pearlman_2019). c.804-?_903+?del (Exon 8 deletion) was also reported in a young cancer patient in the homozygous state affected with constitutional mismatch repair deficiency (CMMRD) syndrome. These data indicate that the variant is very likely to be associated with disease. Two ClinVar submitters (evaluation after 2014) cite the variant as pathogenic. Based on the evidence outlined above, the variant was classified as pathogenic.

Literature cited by the submitters: PubMed 15256438; PubMed 22585707; PubMed 18602922; PubMed 27435373; PubMed 24440087; PubMed 30877237.